The following is an entry in ClinVar:

NM_001065.4(TNFRSF1A):c.282C>G (p.Asn94Lys)

Gene: TNFRSF1A (TNF receptor superfamily member 1A; minus strand). Cytogenetic location: 12p13.31.
Variant type: single nucleotide variant.
Coding change: c.282C>G on transcript NM_001065.4 (MANE Select); coding-DNA position 282, C replaced by G.
Protein change: p.Asn94Lys; replaces asparagine 94 with lysine.
Molecular consequence: missense variant. On other transcripts: 5 prime UTR variant (2), non-coding transcript variant (1).
Genome position (GRCh38, 1-based): chr12:6,333,777, G>C on the plus strand (C>G on the coding strand, the complement: TNFRSF1A is on the minus strand). VCF-style: chr12-6333777-G-C. GRCh37 (hg19) VCF-style: chr12-6442943-G-C.
Other names: c.-43C>G (NM_001346091.2); c.-296C>G (NM_001346092.2); short protein forms N94K.
Identifiers: ClinVar variation 234421 (VCV000234421.10), dbSNP rs876661014, ClinGen allele CA10577455.

ClinVar aggregate classification (germline): Conflicting classifications of pathogenicity. Review status: criteria provided, conflicting classifications (1 of 4 stars). 2 submissions from 2 submitters: Likely pathogenic (1); Uncertain significance (1). Last evaluated 2022-06-04.

Conditions:
TNF receptor-associated periodic fever syndrome (TRAPS) (FPF). Also called: Autosomal Dominant Familial Periodic Fever; FAMILIAL HIBERNIAN FEVER; TNF receptor 1-associated periodic fever syndrome; TNF RECEPTOR-ASSOCIATED PERIODIC SYNDROME; TUMOR NECROSIS FACTOR RECEPTOR-ASSOCIATED PERIODIC SYNDROME; TNF Receptor-Associated Periodic Fever Syndrome. Identifiers: Orphanet 32960, MedGen C1275126, MONDO:0007727, OMIM 142680.

Submissions (2):

Labcorp Genetics (formerly Invitae), Labcorp
Classification: Uncertain significance for TNF receptor-associated periodic fever syndrome (TRAPS). Last evaluated: 2022-06-04. Review status: criteria provided, single submitter. Criteria: Invitae Variant Classification Sherloc (09022015). Collection method: clinical testing. Allele origin: germline.
Comment: This variant is not present in population databases (gnomAD no frequency). This sequence change replaces asparagine, which is neutral and polar, with lysine, which is basic and polar, at codon 94 of the TNFRSF1A protein (p.Asn94Lys). This variant has not been reported in the literature in individuals affected with TNFRSF1A-related conditions. ClinVar contains an entry for this variant (Variation ID: 234421). Advanced modeling of protein sequence and biophysical properties (such as structural, functional, and spatial information, amino acid conservation, physicochemical variation, residue mobility, and thermodynamic stability) performed at Invitae indicates that this missense variant is expected to disrupt TNFRSF1A protein function. In summary, the available evidence is currently insufficient to determine the role of this variant in disease. Therefore, it has been classified as a Variant of Uncertain Significance.

GeneDx
Classification: Likely pathogenic. Last evaluated: 2016-05-23. Review status: criteria provided, single submitter. Criteria: GeneDx Variant Classification (06012015). Collection method: clinical testing. Allele origin: germline. Affected: yes.
Comment: The N94K variant has been published in a patient diagnosed with TRAPS (Kirresh et al., 2016). The N94K variant was not observed in approximately 6,500 individuals of European and African American ancestry in the NHLBI Exome Sequencing Project, indicating it is not a common benign variant in these populations. The N94K variant is a semi-conservative amino acid substitution, which may impact secondary protein structure as these residues differ in some properties. This substitution occurs at a position that is conserved in mammals. In silico analysis predicts this variant is probably damaging to the protein structure/function. Another variant at this position, N94I aka N65I, has been reported in association with TRAPS (Aganna et al., 2003). Therefore, based on the currently available information, this variant is likely pathogenic.